The following is an entry in ClinVar:

ClinVar aggregate classification (germline): Uncertain significance. Review status: criteria provided, multiple submitters, no conflicts (2 of 4 stars). 2 submissions from 2 submitters: Uncertain significance (2). Last evaluated 2024-05-28.

Allele frequency attached by ClinVar (database versions not stated): ExAC 0.00001; gnomAD 0.00001; TOPMed 0.00001.
gnomAD v4.1: 20 of 1,613,760 alleles (0.0012%); highest among the groups gnomAD compares: East Asian, 0.0022%; no homozygotes.

Submissions (2):

Blueprint Genetics
Classification: Uncertain significance. Last evaluated: 2024-05-28. Review status: criteria provided, single submitter. Criteria: ACMG Guidelines, 2015. Collection method: clinical testing. Allele origin: germline.

Labcorp Genetics (formerly Invitae), Labcorp
Classification: Uncertain significance. Last evaluated: 2023-09-29. Review status: criteria provided, single submitter. Criteria: Invitae Variant Classification Sherloc (09022015). Collection method: clinical testing. Allele origin: germline.
Comment: In summary, the available evidence is currently insufficient to determine the role of this variant in disease. Therefore, it has been classified as a Variant of Uncertain Significance. Advanced modeling of protein sequence and biophysical properties (such as structural, functional, and spatial information, amino acid conservation, physicochemical variation, residue mobility, and thermodynamic stability) performed at Invitae indicates that this missense variant is expected to disrupt GNB3 protein function. This variant has not been reported in the literature in individuals affected with GNB3-related conditions. This variant is present in population databases (rs782659190, gnomAD 0.009%). This sequence change replaces serine, which is neutral and polar, with leucine, which is neutral and non-polar, at codon 74 of the GNB3 protein (p.Ser74Leu).

NM_002075.4(GNB3):c.221C>T (p.Ser74Leu)

Gene: GNB3 (G protein subunit beta 3; plus strand). Cytogenetic location: 12p13.31.
Variant type: single nucleotide variant.
Coding change: c.221C>T on transcript NM_002075.4 (MANE Select); coding-DNA position 221, C replaced by T.
Protein change: p.Ser74Leu; replaces serine 74 with leucine.
Molecular consequence: missense variant.
Genome position (GRCh38, 1-based): chr12:6,843,191, C>T. VCF-style: chr12-6843191-C-T. GRCh37 (hg19) VCF-style: chr12-6952355-C-T.
Other names: c.221C>T, p.Ser74Leu (NM_001297571.2); short protein forms S74L.
Identifiers: ClinVar variation 2994875 (VCV002994875.4), dbSNP rs782659190, ClinGen allele CA6417477.